The following is an entry in ClinVar:

NM_000018.4(ACADVL):c.1182G>A (p.Glu394=)

Gene: ACADVL (acyl-CoA dehydrogenase very long chain; plus strand). Cytogenetic location: 17p13.1.
Variant type: single nucleotide variant.
Coding change: c.1182G>A on transcript NM_000018.4 (MANE Select); coding-DNA position 1182, G replaced by A.
Protein change: p.Glu394=; no amino-acid change (glutamic acid 394 retained).
Molecular consequence: synonymous variant.
Genome position (GRCh38, 1-based): chr17:7,223,237, G>A. VCF-style: chr17-7223237-G-A. GRCh37 (hg19) VCF-style: chr17-7126556-G-A.
Other names: c.1116G>A, p.Glu372= (NM_001033859.3); c.1251G>A, p.Glu417= (NM_001270447.2); c.954G>A, p.Glu318= (NM_001270448.2).
Identifiers: ClinVar variation 4742134 (VCV004742134.2).

ClinVar aggregate classification (germline): Uncertain significance. Review status: criteria provided, multiple submitters, no conflicts (2 of 4 stars). 2 submissions from 2 submitters: Uncertain significance (2). Last evaluated 2026-01-19.

Conditions:
Very long chain acyl-CoA dehydrogenase deficiency (ACADVLD). Also called: VLCAD Deficiency; Very Long-Chain Acyl-Coenzyme A Dehydrogenase Deficiency. Identifiers: Orphanet 26793, MedGen C3887523, MONDO:0008723, OMIM 201475.

gnomAD v4.1: 3 of 1,611,494 alleles (0.00019%); highest among the groups gnomAD compares: Non-Finnish European, 0.00025%; no homozygotes.

Submissions (2):

Labcorp Genetics (formerly Invitae), Labcorp
Classification: Uncertain significance for Very long chain acyl-CoA dehydrogenase deficiency. Last evaluated: 2026-01-19. Review status: criteria provided, single submitter. Criteria: Invitae Variant Classification Sherloc (09022015). Collection method: clinical testing. Allele origin: germline.
Comment: This sequence change affects codon 394 of the ACADVL mRNA. It is a 'silent' change, meaning that it does not change the encoded amino acid sequence of the ACADVL protein. This variant also falls at the last nucleotide of exon 11, which is part of the consensus splice site for this exon. This variant is not present in population databases (gnomAD no frequency). This variant has not been reported in the literature in individuals affected with ACADVL-related conditions. Variants that disrupt the consensus splice site are a relatively common cause of aberrant splicing (PMID: 17576681, 9536098). Algorithms developed to predict the effect of sequence changes on RNA splicing suggest that this variant may disrupt the consensus splice site. In summary, the available evidence is currently insufficient to determine the role of this variant in disease. Therefore, it has been classified as a Variant of Uncertain Significance.

Blueprint Genetics
Classification: Uncertain significance. Last evaluated: 2024-08-28. Review status: criteria provided, single submitter. Criteria: ACMG Guidelines, 2015. Collection method: clinical testing. Allele origin: germline.

Literature cited by the submitters: PubMed 17576681 (cited by Labcorp Genetics (formerly Invitae), Labcorp); PubMed 9536098 (cited by Labcorp Genetics (formerly Invitae), Labcorp).